The following is an entry in ClinVar:

NM_020987.5(ANK3):c.7517T>C (p.Ile2506Thr)

Gene: ANK3 (ankyrin 3; minus strand). Cytogenetic location: 10q21.2.
Variant type: single nucleotide variant.
Coding change: c.7517T>C on transcript NM_020987.5 (MANE Select); coding-DNA position 7517, T replaced by C.
Protein change: p.Ile2506Thr; replaces isoleucine 2506 with threonine.
Molecular consequence: missense variant. On other transcripts: intron variant (4).
Genome position (GRCh38, 1-based): chr10:60,073,364, A>G on the plus strand (T>C on the coding strand, the complement: ANK3 is on the minus strand). VCF-style: chr10-60073364-A-G. GRCh37 (hg19) VCF-style: chr10-61833122-A-G.
Other names: c.4388-5355T>C (NM_001204403.2); c.4409-5355T>C (NM_001204404.2); c.4406-5355T>C (NM_001320874.2); c.1808-5355T>C (NM_001149.4); short protein forms I2506T.
Identifiers: ClinVar variation 210172 (VCV000210172.10), dbSNP rs769822914, ClinGen allele CA207775.

ClinVar aggregate classification (germline): Uncertain significance. Review status: criteria provided, multiple submitters, no conflicts (2 of 4 stars). 2 submissions from 2 submitters: Uncertain significance (2). Last evaluated 2022-05-03.

Allele frequency attached by ClinVar (database versions not stated): gnomAD 0.00001; TOPMed 0.00001.
gnomAD v4.1: 4 of 1,613,474 alleles (0.00025%); highest among the groups gnomAD compares: Admixed American, 0.0067%; no homozygotes.

Submissions (2):

Labcorp Genetics (formerly Invitae), Labcorp
Classification: Uncertain significance. Last evaluated: 2022-05-03. Review status: criteria provided, single submitter. Criteria: Invitae Variant Classification Sherloc (09022015). Collection method: clinical testing. Allele origin: germline.
Comment: In summary, the available evidence is currently insufficient to determine the role of this variant in disease. Therefore, it has been classified as a Variant of Uncertain Significance. Algorithms developed to predict the effect of missense changes on protein structure and function are either unavailable or do not agree on the potential impact of this missense change (SIFT: "Not Available"; PolyPhen-2: "Benign"; Align-GVGD: "Not Available"). ClinVar contains an entry for this variant (Variation ID: 210172). This variant has not been reported in the literature in individuals affected with ANK3-related conditions. This variant is present in population databases (rs769822914, gnomAD 0.003%). This sequence change replaces isoleucine, which is neutral and non-polar, with threonine, which is neutral and polar, at codon 2506 of the ANK3 protein (p.Ile2506Thr).

Genetic Services Laboratory, University of Chicago
Classification: Uncertain significance. Last evaluated: 2014-09-11. Review status: criteria provided, single submitter. Criteria: ACMG Guidelines, 2015. Collection method: clinical testing. Allele origin: germline.